The following is an entry in ClinVar:

ClinVar aggregate classification (germline): Uncertain significance (1 of 4 stars; one submission).

gnomAD v4.1: 3 of 1,614,064 alleles (0.00019%); highest among the groups gnomAD compares: Non-Finnish European, 0.00025%; no homozygotes.

Submission:

Labcorp Genetics (formerly Invitae), Labcorp
Classification: Uncertain significance. Last evaluated: 2024-11-03. Review status: criteria provided, single submitter. Criteria: Invitae Variant Classification Sherloc (09022015). Collection method: clinical testing. Allele origin: germline.
Comment: This sequence change replaces threonine, which is neutral and polar, with alanine, which is neutral and non-polar, at codon 1400 of the A2ML1 protein (p.Thr1400Ala). This variant is present in population databases (no rsID available, gnomAD 0.0009%). This variant has not been reported in the literature in individuals affected with A2ML1-related conditions. An algorithm developed to predict the effect of missense changes on protein structure and function (PolyPhen-2) suggests that this variant is likely to be tolerated. In summary, the available evidence is currently insufficient to determine the role of this variant in disease. Therefore, it has been classified as a Variant of Uncertain Significance.

NM_144670.6(A2ML1):c.4198A>G (p.Thr1400Ala)

Gene: A2ML1 (alpha-2-macroglobulin like 1; plus strand). Cytogenetic location: 12p13.31.
Variant type: single nucleotide variant.
Coding change: c.4198A>G on transcript NM_144670.6 (MANE Select); coding-DNA position 4198, A replaced by G.
Protein change: p.Thr1400Ala; replaces threonine 1400 with alanine.
Molecular consequence: missense variant.
Genome position (GRCh38, 1-based): chr12:8,869,180, A>G. VCF-style: chr12-8869180-A-G. GRCh37 (hg19) VCF-style: chr12-9021776-A-G.
Other names: c.2725A>G, p.Thr909Ala (NM_001282424.3); short protein forms T909A, T1400A.
Identifiers: ClinVar variation 3678627 (VCV003678627.2).